The following is an entry in ClinVar:

NM_006073.4(TRDN):c.825C>T (p.Asp275=)

Gene: TRDN (triadin; minus strand). Cytogenetic location: 6q22.31.
Variant type: single nucleotide variant.
Coding change: c.825C>T on transcript NM_006073.4 (MANE Select); coding-DNA position 825, C replaced by T.
Protein change: p.Asp275=; no amino-acid change (aspartic acid 275 retained).
Molecular consequence: synonymous variant. On other transcripts: intron variant (1).
Genome position (GRCh38, 1-based): chr6:123,497,221, G>A on the plus strand (C>T on the coding strand, the complement: TRDN is on the minus strand). VCF-style: chr6-123497221-G-A. GRCh37 (hg19) VCF-style: chr6-123818366-G-A.
Other names: c.825C>T, p.Asp275= (NM_001251987.2); c.793+6498C>T (NM_001256020.2).
Identifiers: ClinVar variation 699804 (VCV000699804.15), dbSNP rs375079402, ClinGen allele CA3984250.

ClinVar aggregate classification (germline): Conflicting classifications of pathogenicity. Review status: criteria provided, conflicting classifications (1 of 4 stars). 3 submissions from 3 submitters: Uncertain significance (1); Likely benign (2). Last evaluated 2025-08-13.

Conditions:
Catecholaminergic polymorphic ventricular tachycardia 1. Also called: VENTRICULAR TACHYCARDIA, CATECHOLAMINERGIC POLYMORPHIC, 1, WITH OR WITHOUT ATRIAL DYSFUNCTION AND/OR DILATED CARDIOMYOPATHY; VENTRICULAR TACHYCARDIA, STRESS-INDUCED POLYMORPHIC 1; RYR2-Related Catecholaminergic Polymorphic Ventricular Tachycardia. Identifiers: Orphanet 3286, MedGen C1631597, MONDO:0011484, OMIM 604772.
Cardiovascular phenotype. Identifiers: MedGen CN230736.

Allele frequency attached by ClinVar (database versions not stated): gnomAD exomes 0.00001 and 0.00003; gnomAD 0.00005 and 0.00004; TOPMed 0.00006; ExAC 0.00010; ESP Exome Variant Server 0.00017; 1000 Genomes Project 0.00020; 1000 Genomes Project 30x 0.00031.
gnomAD v4.1: 16 of 1,558,556 alleles (0.001%); highest among the groups gnomAD compares: African/African-American, 0.015%; no homozygotes.

Submissions (3):

Labcorp Genetics (formerly Invitae), Labcorp
Classification: Likely benign for Catecholaminergic polymorphic ventricular tachycardia 1. Last evaluated: 2025-08-13. Review status: criteria provided, single submitter. Criteria: Invitae Variant Classification Sherloc (09022015). Collection method: clinical testing. Allele origin: germline.

GeneDx
Classification: Uncertain significance. Last evaluated: 2025-06-06. Review status: criteria provided, single submitter. Criteria: GeneDx Variant Classification Process June 2021. Collection method: clinical testing. Allele origin: germline. Affected: yes.
Comment: In silico analysis suggests that this variant does not alter splicing; Has not been previously published as pathogenic or benign to our knowledge

Ambry Genetics
Classification: Likely benign for Cardiovascular phenotype. Last evaluated: 2019-11-26. Review status: criteria provided, single submitter. Criteria: Ambry Variant Classification Scheme 2023. Collection method: clinical testing. Allele origin: germline.